The following is an entry in ClinVar:

ClinVar aggregate classification (germline): Likely pathogenic (1 of 4 stars; one submission).

Conditions:
Neurodevelopmental disorder with hypotonia, stereotypic hand movements, and impaired language. Also called: Intellectual disability, autosomal dominant 20. Identifiers: Orphanet 228384, Orphanet 664410, MedGen C3150700, MONDO:0013266, OMIM 613443.

Submission:

Greenwood Genetic Center Diagnostic Laboratories, Greenwood Genetic Center
Classification: Likely pathogenic for Neurodevelopmental disorder with hypotonia, stereotypic hand movements, and impaired language. Last evaluated: 2023-12-04. Review status: criteria provided, single submitter. Criteria: ACMG Guidelines, 2015. Collection method: clinical testing. Allele origin: germline. Affected: yes.
Comment: PS2, PM2, PP3, PP2

NM_002397.5(MEF2C):c.134T>C (p.Leu45Pro)

Gene: MEF2C (myocyte enhancer factor 2C; minus strand). Cytogenetic location: 5q14.3.
Variant type: single nucleotide variant.
Coding change: c.134T>C on transcript NM_002397.5 (MANE Select); coding-DNA position 134, T replaced by C.
Protein change: p.Leu45Pro; replaces leucine 45 with proline.
Molecular consequence: missense variant.
Genome position (GRCh38, 1-based): chr5:88,804,722, A>G on the plus strand (T>C on the coding strand, the complement: MEF2C is on the minus strand). VCF-style: chr5-88804722-A-G. GRCh37 (hg19) VCF-style: chr5-88100539-A-G.
Other names: c.134T>C, p.Leu45Pro (NM_001131005.2, NM_001193347.1, NM_001193348.1 and 29 more transcripts); short protein forms L45P.
Identifiers: ClinVar variation 2692484 (VCV002692484.1), dbSNP rs2531283403, ClinGen allele CA360425048.